The following is an entry in ClinVar:

NM_000152.5(GAA):c.2558C>A (p.Ala853Asp)

Gene: GAA (alpha glucosidase; plus strand). Cytogenetic location: 17q25.3.
Variant type: single nucleotide variant.
Coding change: c.2558C>A on transcript NM_000152.5 (MANE Select); coding-DNA position 2558, C replaced by A.
Protein change: p.Ala853Asp; replaces alanine 853 with aspartic acid.
Molecular consequence: missense variant.
Genome position (GRCh38, 1-based): chr17:80,118,269, C>A. VCF-style: chr17-80118269-C-A. GRCh37 (hg19) VCF-style: chr17-78092068-C-A.
Other names: c.2558C>A, p.Ala853Asp (NM_001079803.3, NM_001079804.3, NM_001406741.1 and 1 more transcripts); short protein forms A853D.
Identifiers: ClinVar variation 4876448 (VCV004876448.1).

ClinVar aggregate classification (germline): Uncertain significance (1 of 4 stars; one submission).

Conditions:
Glycogen storage disease, type II (IOPD). Also called: Pompe Disease; CARDIOMEGALIA GLYCOGENICA DIFFUSA; GLYCOGENOSIS, GENERALIZED, CARDIAC FORM; GSD II; POMPE DISEASE, INFANTILE-ONSET; GLYCOGEN STORAGE DISEASE II, INFANTILE-ONSET. Identifiers: Orphanet 365, MedGen C0017921, MONDO:0009290, OMIM 232300.

Submission:

Genomenon, Inc
Classification: Uncertain significance for Glycogen storage disease, type II. Last evaluated: 2026-07-01. Review status: criteria provided, single submitter. Criteria: Genomenon Sequence Variant Interpretation Standards - Updated. Collection method: curation. Allele origin: germline. Affected: yes.
Comment: GAA p.Ala853Asp (c.2558C>A) is a missense variant that changes the amino acid at codon 853 from Alanine to Aspartic acid. This variant has been observed in at least one proband with a GAA-related disorder (PMID:40225932). It is absent or not present at a significant frequency in gnomAD. In silico models predict that this variant is possibly or probably damaging. In conclusion, we classify GAA p.Ala853Asp (c.2558C>A) as a variant of uncertain significance.

Literature cited by the submitters: PubMed 40225932.